The following is an entry in ClinVar:

ClinVar aggregate classification (germline): Uncertain significance (1 of 4 stars; one submission).

Conditions:
Hereditary cancer-predisposing syndrome. Also called: Neoplastic Syndromes, Hereditary; Tumor predisposition; Hereditary neoplastic syndrome; Hereditary Cancer Syndrome. Identifiers: Orphanet 140162, MedGen C0027672, MeSH D009386, MONDO:0015356.

gnomAD v4.1: 1 of 1,614,108 alleles (0.000062%); highest among the groups gnomAD compares: Non-Finnish European, 0.000085%; no homozygotes.

Submission:

Ambry Genetics
Classification: Uncertain significance for Hereditary cancer-predisposing syndrome. Last evaluated: 2026-07-06. Review status: criteria provided, single submitter. Criteria: Ambry Variant Classification Scheme 2023. Collection method: clinical testing. Allele origin: germline.
Comment: The p.D403V variant (also known as c.1208A>T), located in coding exon 8 of the MSH3 gene, results from an A to T substitution at nucleotide position 1208. The aspartic acid at codon 403 is replaced by valine, an amino acid with highly dissimilar properties. This amino acid position is conserved. In addition, this alteration is predicted to be deleterious by in silico analysis. Based on the available evidence, the clinical significance of this variant remains unclear.

NM_002439.5(MSH3):c.1208A>T (p.Asp403Val)

Gene: MSH3 (mutS homolog 3; plus strand). Cytogenetic location: 5q14.1.
Variant type: single nucleotide variant.
Coding change: c.1208A>T on transcript NM_002439.5 (MANE Select); coding-DNA position 1208, A replaced by T.
Protein change: p.Asp403Val; replaces aspartic acid 403 with valine.
Molecular consequence: missense variant.
Genome position (GRCh38, 1-based): chr5:80,678,961, A>T. VCF-style: chr5-80678961-A-T. GRCh37 (hg19) VCF-style: chr5-79974780-A-T.
Other names: short protein forms D403V.
Identifiers: ClinVar variation 5024781 (VCV005024781.1).